The following is an entry in ClinVar:

NM_033100.4(CDHR1):c.1570_1592del (p.Ser524fs)

Gene: CDHR1 (cadherin related family member 1; plus strand). Cytogenetic location: 10q23.1.
Variant type: Deletion.
Coding change: c.1570_1592del on transcript NM_033100.4 (MANE Select); coding-DNA positions 1570 to 1592, 23 bases deleted (TCCACTGGGCTTATCTACACCCA).
Protein change: p.Ser524fs; shifts the reading frame from serine 524.
Molecular consequence: frameshift variant.
Genome position (GRCh38, 1-based): chr10:84,212,195-84,212,217, TCCACTGGGCTTATCTACACCCA deleted; deleting any 23 consecutive bases within chr10:84,212,189-84,212,217 gives the same sequence; the c. name uses the placement nearest the transcript's 3' end. VCF-style (leftmost placement, unchanged base first): chr10-84212188-CCACCCATCCACTGGGCTTATCTA-C. GRCh37 (hg19) VCF-style: chr10-85971944-CCACCCATCCACTGGGCTTATCTA-C.
Other names: c.1570_1592del, p.Ser524fs (NM_001171971.3); short protein forms S524fs.
Identifiers: ClinVar variation 2907401 (VCV002907401.3), dbSNP rs749438546, ClinGen allele CA5579993.

ClinVar aggregate classification (germline): Pathogenic (1 of 4 stars; one submission).

Submission:

Labcorp Genetics (formerly Invitae), Labcorp
Classification: Pathogenic. Last evaluated: 2023-07-08. Review status: criteria provided, single submitter. Criteria: Invitae Variant Classification Sherloc (09022015). Collection method: clinical testing. Allele origin: germline.
Comment: For these reasons, this variant has been classified as Pathogenic. Algorithms developed to predict the effect of sequence changes on RNA splicing suggest that this variant may disrupt the consensus splice site. This premature translational stop signal has been observed in individual(s) with retinal dystrophy (PMID: 31387115). This variant is present in population databases (rs749438546, gnomAD 0.0009%). This sequence change creates a premature translational stop signal (p.Ser524Alafs*4) in the CDHR1 gene. It is expected to result in an absent or disrupted protein product. Loss-of-function variants in CDHR1 are known to be pathogenic (PMID: 23044944, 23591405, 26103963, 26261414).

Literature cited by the submitters: PubMed 31387115; PubMed 23044944; PubMed 23591405; PubMed 26103963; PubMed 26261414.